The following is an entry in ClinVar:

NM_014714.4(IFT140):c.903-1G>A

Genes: IFT140 (intraflagellar transport 140; minus strand), LOC105371046 (uncharacterized LOC105371046; plus strand). Cytogenetic location: 16p13.3.
Variant type: single nucleotide variant.
Coding change: c.903-1G>A on transcript NM_014714.4 (MANE Select); the canonical splice acceptor site of the intron before coding-DNA position 903, G replaced by A.
Molecular consequence: splice acceptor variant.
Genome position (GRCh38, 1-based): chr16:1,587,305, C>T on the plus strand (G>A on the coding strand, the complement: IFT140 is on the minus strand). VCF-style: chr16-1587305-C-T. GRCh37 (hg19) VCF-style: chr16-1637306-C-T.
Identifiers: ClinVar variation 591020 (VCV000591020.6), dbSNP rs1567407044, ClinGen allele CA394217080.
Genomic context (GRCh38, chr16:1,587,305, plus strand): 5'-AAGCCAAACTTCTCATCTGGACTCAGTATATAATTCTCTCCTCGTTCTATGTCCCAGAAT[C>T]TACAACAGAAGAAAGCAAGCCCCATGGAGGGCCTGTGTTAGTGGCGTTTCCCTCTGAGGG-3'

ClinVar aggregate classification (germline): Likely pathogenic. Review status: criteria provided, single submitter (1 of 4 stars). 2 submissions from 2 submitters: Likely pathogenic (1). 1 of the submissions does not count toward it. Last evaluated 2025-04-19.

Conditions:
Saldino-Mainzer syndrome (SRTD9). Also called: Renal dysplasia, retinal pigmentary dystrophy, cerebellar ataxia and skeletal dysplasia; SHORT-RIB THORACIC DYSPLASIA 9 WITHOUT POLYDACTYLY; CONORENAL SYNDROME; short-rib thoracic dysplasia 9 with or without polydactyly. Identifiers: Orphanet 140969, MedGen C1849437, MONDO:0009964, OMIM 266920.

Submissions (2):

Labcorp Genetics (formerly Invitae), Labcorp
Classification: Likely pathogenic for Saldino-Mainzer syndrome. Last evaluated: 2025-04-19. Review status: criteria provided, single submitter. Criteria: Invitae Variant Classification Sherloc (09022015). Collection method: clinical testing. Allele origin: germline.
Comment: This sequence change affects an acceptor splice site in intron 8 of the IFT140 gene. It is expected to disrupt RNA splicing. Variants that disrupt the donor or acceptor splice site typically lead to a loss of protein function (PMID: 16199547), and loss-of-function variants in IFT140 are known to be pathogenic (PMID: 22503633, 23418020, 24009529, 26216056). This variant is not present in population databases (gnomAD no frequency). This variant has not been reported in the literature in individuals affected with IFT140-related conditions. ClinVar contains an entry for this variant (Variation ID: 591020). Algorithms developed to predict the effect of sequence changes on RNA splicing suggest that this variant may disrupt the consensus splice site. In summary, the currently available evidence indicates that the variant is pathogenic, but additional data are needed to prove that conclusively. Therefore, this variant has been classified as Likely Pathogenic.

Gharavi Laboratory, Columbia University
Classification: Uncertain significance. Last evaluated: 2018-09-16. Review status: no assertion criteria provided. Criteria: ACMG Guidelines, 2015. Collection method: research. Allele origin: germline. Affected: yes. Not counted in ClinVar's aggregate classification.

Literature cited by the submitters: PubMed 16199547 (cited by Labcorp Genetics (formerly Invitae), Labcorp); PubMed 22503633 (cited by Labcorp Genetics (formerly Invitae), Labcorp); PubMed 23418020 (cited by Labcorp Genetics (formerly Invitae), Labcorp); PubMed 24009529 (cited by Labcorp Genetics (formerly Invitae), Labcorp); PubMed 26216056 (cited by Labcorp Genetics (formerly Invitae), Labcorp).